The following is an entry in ClinVar:

ClinVar aggregate classification (germline): Uncertain significance (1 of 4 stars; one submission).

Allele frequency attached by ClinVar (database versions not stated): gnomAD exomes below 0.00001.
gnomAD v4.1: 5 of 1,614,210 alleles (0.00031%); highest among the groups gnomAD compares: Non-Finnish European, 0.00034%; no homozygotes.

Submission:

Labcorp Genetics (formerly Invitae), Labcorp
Classification: Uncertain significance. Last evaluated: 2022-03-20. Review status: criteria provided, single submitter. Criteria: Invitae Variant Classification Sherloc (09022015). Collection method: clinical testing. Allele origin: germline.
Comment: In summary, the available evidence is currently insufficient to determine the role of this variant in disease. Therefore, it has been classified as a Variant of Uncertain Significance. Algorithms developed to predict the effect of missense changes on protein structure and function are either unavailable or do not agree on the potential impact of this missense change (SIFT: "Deleterious"; PolyPhen-2: "Probably Damaging"; Align-GVGD: "Class C0"). This variant has not been reported in the literature in individuals affected with CSF1R-related conditions. This variant is not present in population databases (gnomAD no frequency). This sequence change replaces arginine, which is basic and polar, with cysteine, which is neutral and slightly polar, at codon 816 of the CSF1R protein (p.Arg816Cys).

NM_001288705.3(CSF1R):c.2446C>T (p.Arg816Cys)

Gene: CSF1R (colony stimulating factor 1 receptor; minus strand). Cytogenetic location: 5q32.
Variant type: single nucleotide variant.
Coding change: c.2446C>T on transcript NM_001288705.3 (MANE Select); coding-DNA position 2446, C replaced by T.
Protein change: p.Arg816Cys; replaces arginine 816 with cysteine.
Molecular consequence: missense variant. On other transcripts: non-coding transcript variant (2).
Genome position (GRCh38, 1-based): chr5:150,056,134, G>A on the plus strand (C>T on the coding strand, the complement: CSF1R is on the minus strand). VCF-style: chr5-150056134-G-A. GRCh37 (hg19) VCF-style: chr5-149435697-G-A.
Other names: c.2446C>T, p.Arg816Cys (NM_001349736.2, NM_001375320.1, NM_005211.4); c.2002C>T, p.Arg668Cys (NM_001375321.1); short protein forms R668C, R816C.
Identifiers: ClinVar variation 1943849 (VCV001943849.5), dbSNP rs1757204412, ClinGen allele CA361758644.